The following is an entry in ClinVar:

ClinVar aggregate classification (germline): Uncertain significance (1 of 4 stars; one submission).

Conditions:
Aicardi-Goutieres syndrome 4. Identifiers: Orphanet 51, MedGen C1835912, MONDO:0012472, OMIM 610333.

Allele frequency attached by ClinVar (database versions not stated): gnomAD exomes below 0.00001.
gnomAD v4.1: 1 of 1,614,104 alleles (0.000062%); highest among the groups gnomAD compares: Non-Finnish European, 0.000085%; no homozygotes.

Submission:

Labcorp Genetics (formerly Invitae), Labcorp
Classification: Uncertain significance for Aicardi-Goutieres syndrome 4. Last evaluated: 2022-10-24. Review status: criteria provided, single submitter. Criteria: Invitae Variant Classification Sherloc (09022015). Collection method: clinical testing. Allele origin: germline.
Comment: This sequence change replaces alanine, which is neutral and non-polar, with aspartic acid, which is acidic and polar, at codon 189 of the RNASEH2A protein (p.Ala189Asp). This variant is present in population databases (no rsID available, gnomAD 0.0009%). This variant has not been reported in the literature in individuals affected with RNASEH2A-related conditions. ClinVar contains an entry for this variant (Variation ID: 641095). Advanced modeling of protein sequence and biophysical properties (such as structural, functional, and spatial information, amino acid conservation, physicochemical variation, residue mobility, and thermodynamic stability) performed at Invitae indicates that this missense variant is not expected to disrupt RNASEH2A protein function. In summary, the available evidence is currently insufficient to determine the role of this variant in disease. Therefore, it has been classified as a Variant of Uncertain Significance.

NM_006397.3(RNASEH2A):c.566C>A (p.Ala189Asp)

Gene: RNASEH2A (ribonuclease H2 subunit A; plus strand). Cytogenetic location: 19p13.13.
Variant type: single nucleotide variant.
Coding change: c.566C>A on transcript NM_006397.3 (MANE Select); coding-DNA position 566, C replaced by A.
Protein change: p.Ala189Asp; replaces alanine 189 with aspartic acid.
Molecular consequence: missense variant.
Genome position (GRCh38, 1-based): chr19:12,810,333, C>A. VCF-style: chr19-12810333-C-A. GRCh37 (hg19) VCF-style: chr19-12921147-C-A.
Other names: short protein forms A189D.
Identifiers: ClinVar variation 641095 (VCV000641095.8), dbSNP rs1448707577, ClinGen allele CA404267424.
Genomic context (GRCh38, chr19:12,810,333, plus strand): 5'-CCAAAGGGAAGGAGGGAGATTCCAGGTGCCTGTTTTGCCCACAGGTGGCCCGGGACCAGG[C>A]CGTGAAGAAATGGCAGTTCGTGGAGAAACTGCAGGACTTGGATACTGATTATGGCTCAGG-3'
Protein context (NP_006388.2, residues 179-199): SICAKVARDQ[Ala189Asp]VKKWQFVEKL